The following is an entry in ClinVar:

NM_001205293.3(CACNA1E):c.3612+226A>G

Gene: CACNA1E (calcium voltage-gated channel subunit alpha1 E; plus strand). Cytogenetic location: 1q25.3.
Variant type: single nucleotide variant.
Coding change: c.3612+226A>G on transcript NM_001205293.3 (MANE Select); 226 bases into the intron after coding-DNA position 3612, A replaced by G.
Molecular consequence: intron variant.
Genome position (GRCh38, 1-based): chr1:181,738,652, A>G. VCF-style: chr1-181738652-A-G. GRCh37 (hg19) VCF-style: chr1-181707788-A-G.
Other names: c.3612+226A>G (NM_000721.4); c.3555+226A>G (NM_001205294.2).
Identifiers: ClinVar variation 1341906 (VCV001341906.1), dbSNP rs1486716719, ClinGen allele CA646164836.

ClinVar aggregate classification (germline): Uncertain significance (1 of 4 stars; one submission).

Conditions:
Developmental and epileptic encephalopathy, 69. Also called: EPILEPTIC ENCEPHALOPATHY, EARLY INFANTILE, 69. Identifiers: MedGen C4748988, MONDO:0032657, OMIM 618285.

Submission:

New York Genome Center
Classification: Uncertain significance for Developmental and epileptic encephalopathy, 69. Last evaluated: 2020-05-15. Review status: criteria provided, single submitter. Criteria: NYGC Assertion Criteria 2020. Collection method: clinical testing. Allele origin: inherited. Observed: 1 heterozygote. Study: CSER-NYCKidSeq.
Comment: The inherited heterozygous c.3612+226A>G deep intronic variant identified in the CACNA1E gene is located within intron 24/47(NM_001205293.3). This variant is absent from the gnomAD(v3.0) database indicating that it is an extremely rare allele in the general population. Human Splicing Finder predicts this variant may potentially alter the mRNA splicing by activating an intronic cryptic acceptor site. The Transcript inferred Pathogenicity (TraP; v3.0) score for this variant is 0.049, which is >50% score-percentile for non-coding variants, suggesting against the potential pathogenicity of this variant. This variant is absent from ClinVar and to our current knowledge has not been reported in the literature. Functional studies are required to evaluate the potential pathogenicity of this variant. Based on the available evidence, the inherited c.3612+226A>G deep intronic variant identified in the CACNA1E gene is reported as a variant of uncertain significance.